The following is an entry in ClinVar:

ClinVar aggregate classification (germline): Pathogenic (1 of 4 stars; one submission).

Conditions:
Congenital muscular hypertrophy-cerebral syndrome (CDLS2). Also called: Cornelia de Lange syndrome 2; SMC1A-Related Cornelia de Lange Syndrome. Identifiers: Orphanet 199, MedGen C1802395, MONDO:0010370, OMIM 300590.

Submission:

Labcorp Genetics (formerly Invitae), Labcorp
Classification: Pathogenic for Congenital muscular hypertrophy-cerebral syndrome. Last evaluated: 2019-05-16. Review status: criteria provided, single submitter. Criteria: Invitae Variant Classification Sherloc (09022015). Collection method: clinical testing. Allele origin: germline.
Comment: For these reasons, this variant has been classified as Pathogenic. Algorithms developed to predict the effect of missense changes on protein structure and function are either unavailable or do not agree on the potential impact of this missense change (SIFT: "Deleterious"; PolyPhen-2: "Probably Damaging"; Align-GVGD: "Class C0"). This variant has been observed to be de novo in individuals with clinical features of Cornelia de Lange syndrome (PMID: 17273969, Invitae). This variant is not present in population databases (ExAC no frequency). This sequence change replaces phenylalanine with valine at codon 133 of the SMC1A protein (p.Phe133Val). The phenylalanine residue is highly conserved and there is a small physicochemical difference between phenylalanine and valine.

Literature cited by the submitters: PubMed 17273969.

NM_006306.4(SMC1A):c.397T>G (p.Phe133Val)

Gene: SMC1A (structural maintenance of chromosomes 1A; minus strand). Cytogenetic location: Xp11.22.
Variant type: single nucleotide variant.
Coding change: c.397T>G on transcript NM_006306.4 (MANE Select); coding-DNA position 397, T replaced by G.
Protein change: p.Phe133Val; replaces phenylalanine 133 with valine.
Molecular consequence: missense variant.
Genome position (GRCh38, 1-based): chrX:53,414,772, A>C on the plus strand (T>G on the coding strand, the complement: SMC1A is on the minus strand). VCF-style: chrX-53414772-A-C. GRCh37 (hg19) VCF-style: chrX-53441721-A-C.
Other names: c.331T>G, p.Phe111Val (NM_001281463.1); short protein forms F133V, F111V.
Identifiers: ClinVar variation 845340 (VCV000845340.9), dbSNP rs2075725792, ClinGen allele CA413131409.